The following is an entry in ClinVar:

ClinVar aggregate classification (germline): Pathogenic. Review status: criteria provided, multiple submitters, no conflicts (2 of 4 stars). 2 submissions from 2 submitters: Pathogenic (2). Last evaluated 2022-11-25.

Conditions:
Hereditary cancer-predisposing syndrome. Also called: Neoplastic Syndromes, Hereditary; Hereditary Cancer Syndrome; Hereditary neoplastic syndrome; Tumor predisposition. Identifiers: Orphanet 140162, MedGen C0027672, MeSH D009386, MONDO:0015356.
Cardiovascular phenotype. Identifiers: MedGen CN230736.
Neurofibromatosis, type 1 (NF1). Also called: Neurofibromatosis, type I; Peripheral type neurofibromatosis; VON RECKLINGHAUSEN DISEASE; NEUROFIBROMATOSIS, TYPE I, SOMATIC. Identifiers: Orphanet 636, MedGen C0027831, MONDO:0018975, OMIM 162200. Disease mechanism: loss of function.

Submissions (2):

Labcorp Genetics (formerly Invitae), Labcorp
Classification: Pathogenic for Neurofibromatosis, type 1. Last evaluated: 2022-11-25. Review status: criteria provided, single submitter. Criteria: Invitae Variant Classification Sherloc (09022015). Collection method: clinical testing. Allele origin: germline.
Comment: ClinVar contains an entry for this variant (Variation ID: 826893). For these reasons, this variant has been classified as Pathogenic. This variant is not present in population databases (gnomAD no frequency). This sequence change creates a premature translational stop signal (p.Leu2396*) in the NF1 gene. It is expected to result in an absent or disrupted protein product. Loss-of-function variants in NF1 are known to be pathogenic (PMID: 10712197, 23913538). This variant has not been reported in the literature in individuals affected with NF1-related conditions.

Ambry Genetics
Classification: Pathogenic for Cardiovascular phenotype; Hereditary cancer-predisposing syndrome. Last evaluated: 2018-10-04. Review status: criteria provided, single submitter. Criteria: Ambry Variant Classification Scheme 2023. Collection method: clinical testing. Allele origin: germline.
Comment: The c.7186delC pathogenic mutation, located in coding exon 48 of the NF1 gene, results from a deletion of one nucleotide at nucleotide position 7186, causing a translational frameshift with a predicted alternate stop codon (p.L2396*). This alteration is expected to result in loss of function by premature protein truncation or nonsense-mediated mRNA decay. As such, this alteration is interpreted as a disease-causing mutation.

Literature cited by the submitters: PubMed 10712197 (cited by Labcorp Genetics (formerly Invitae), Labcorp); PubMed 23913538 (cited by Labcorp Genetics (formerly Invitae), Labcorp).

NM_001042492.3(NF1):c.7249del (p.Leu2416_Leu2417insTer)

Gene: NF1 (neurofibromin 1; plus strand). Cytogenetic location: 17q11.2.
Variant type: Deletion.
Coding change: c.7249del on transcript NM_001042492.3 (MANE Select); coding-DNA position 7249, one base deleted (C; older notation c.7249delC).
Protein change: p.Leu2416_Leu2417insTer.
Molecular consequence: nonsense. On other transcripts: frameshift variant (1).
Genome position (GRCh38, 1-based): chr17:31,349,179, C deleted. VCF-style (leftmost placement, unchanged base first): chr17-31349178-AC-A. GRCh37 (hg19) VCF-style: chr17-29676196-AC-A.
Other names: c.7186delC (NM_000267.3); c.7186delC, p.Leu2396Terfs (NM_000267.4).
Identifiers: ClinVar variation 826893 (VCV000826893.7), dbSNP rs1597858445, ClinGen allele CA915949827.